The following is an entry in ClinVar:

ClinVar aggregate classification (germline): Pathogenic (1 of 4 stars; one submission).

Conditions:
Phenylketonuria (PKU). Also called: FOLLING DISEASE; Phenylketonuria (PKU); OLIGOPHRENIA PHENYLPYRUVICA; Phenylketonurias. Identifiers: Orphanet 716, MedGen C0031485, MONDO:0009861, OMIM 261600. Disease mechanism: loss of function.

Submission:

Labcorp Genetics (formerly Invitae), Labcorp
Classification: Pathogenic for Phenylketonuria. Last evaluated: 2022-12-14. Review status: criteria provided, single submitter. Criteria: Invitae Variant Classification Sherloc (09022015). Collection method: clinical testing. Allele origin: germline.
Comment: This sequence change replaces arginine, which is basic and polar, with glycine, which is neutral and non-polar, at codon 158 of the PAH protein (p.Arg158Gly). This variant disrupts the p.Arg158 amino acid residue in PAH. Other variant(s) that disrupt this residue have been determined to be pathogenic (PMID: 10356314, 14681498, 25894915, 26666653). This suggests that this residue is clinically significant, and that variants that disrupt this residue are likely to be disease-causing. For these reasons, this variant has been classified as Pathogenic. Advanced modeling of protein sequence and biophysical properties (such as structural, functional, and spatial information, amino acid conservation, physicochemical variation, residue mobility, and thermodynamic stability) performed at Invitae indicates that this missense variant is expected to disrupt PAH protein function. This missense change has been observed in individual(s) with phenylketonuria (PMID: 32668217; BIOPKU). This variant is not present in population databases (gnomAD no frequency).

Literature cited by the submitters: PubMed 10356314; PubMed 14681498; PubMed 25894915; PubMed 26666653; PubMed 32668217.

NM_000277.3(PAH):c.472C>G (p.Arg158Gly)

Gene: PAH (phenylalanine hydroxylase; minus strand). Cytogenetic location: 12q23.2.
Variant type: single nucleotide variant.
Coding change: c.472C>G on transcript NM_000277.3 (MANE Select); coding-DNA position 472, C replaced by G.
Protein change: p.Arg158Gly; replaces arginine 158 with glycine.
Molecular consequence: missense variant.
Genome position (GRCh38, 1-based): chr12:102,866,633, G>C on the plus strand (C>G on the coding strand, the complement: PAH is on the minus strand). VCF-style: chr12-102866633-G-C. GRCh37 (hg19) VCF-style: chr12-103260411-G-C.
Other names: c.472C>G, p.Arg158Gly (NM_001354304.2); short protein forms R158G.
Identifiers: ClinVar variation 2780254 (VCV002780254.3), dbSNP rs75166491, ClinGen allele CA386299607.